The following is an entry in ClinVar:

ClinVar aggregate classification (germline): Uncertain significance (1 of 4 stars; one submission).

gnomAD v4.1: 7 of 1,614,018 alleles (0.00043%); highest among the groups gnomAD compares: Admixed American, 0.012%; no homozygotes.

Submission:

Labcorp Genetics (formerly Invitae), Labcorp
Classification: Uncertain significance. Last evaluated: 2024-11-03. Review status: criteria provided, single submitter. Criteria: Invitae Variant Classification Sherloc (09022015). Collection method: clinical testing. Allele origin: germline.
Comment: This sequence change replaces serine, which is neutral and polar, with leucine, which is neutral and non-polar, at codon 76 of the PTHLH protein (p.Ser76Leu). This variant is present in population databases (no rsID available, gnomAD 0.02%). This variant has not been reported in the literature in individuals affected with PTHLH-related conditions. An algorithm developed to predict the effect of missense changes on protein structure and function outputs the following: PolyPhen-2: "Benign". The leucine amino acid residue is found in multiple mammalian species, which suggests that this missense change does not adversely affect protein function. In summary, the available evidence is currently insufficient to determine the role of this variant in disease. Therefore, it has been classified as a Variant of Uncertain Significance.

NM_198965.2(PTHLH):c.227C>T (p.Ser76Leu)

Gene: PTHLH (parathyroid hormone like hormone; minus strand). Cytogenetic location: 12p11.22.
Variant type: single nucleotide variant.
Coding change: c.227C>T on transcript NM_198965.2 (MANE Select); coding-DNA position 227, C replaced by T.
Protein change: p.Ser76Leu; replaces serine 76 with leucine.
Molecular consequence: missense variant.
Genome position (GRCh38, 1-based): chr12:27,963,645, G>A on the plus strand (C>T on the coding strand, the complement: PTHLH is on the minus strand). VCF-style: chr12-27963645-G-A. GRCh37 (hg19) VCF-style: chr12-28116578-G-A.
Other names: c.227C>T, p.Ser76Leu (NM_002820.3, NM_198964.2, NM_198966.2); short protein forms S76L.
Identifiers: ClinVar variation 3675686 (VCV003675686.2).